The following is an entry in ClinVar:

NM_015631.6(TCTN3):c.925G>T (p.Ala309Ser)

Gene: TCTN3 (tectonic family member 3; minus strand). Cytogenetic location: 10q24.1.
Variant type: single nucleotide variant.
Coding change: c.925G>T on transcript NM_015631.6 (MANE Select); coding-DNA position 925, G replaced by T.
Protein change: p.Ala309Ser; replaces alanine 309 with serine.
Molecular consequence: missense variant. On other transcripts: intron variant (1).
Genome position (GRCh38, 1-based): chr10:95,685,600, C>A on the plus strand (G>T on the coding strand, the complement: TCTN3 is on the minus strand). VCF-style: chr10-95685600-C-A. GRCh37 (hg19) VCF-style: chr10-97445357-C-A.
Other names: p.Ala309Ser; c.651+895G>T (NM_001143973.2); short protein forms A309S.
Identifiers: ClinVar variation 130579 (VCV000130579.18), dbSNP rs55859130, ClinGen allele CA155699.
Genomic context (GRCh38, chr10:95,685,600, plus strand): 5'-AGGTCAGTATCCCTACCTGAGAAACTACATTCTGACAAGTGTTTCCAGCCAACAGAGGAG[C>A]ATTAGCCTGTGAGGTAAGTATTACAGGAACCTGGAACTAGCAACGAAAAGAAGCAAATTA-3'
Protein context (NP_056446.4, residues 299-319): VPVILTSQAN[Ala309Ser]PLLAGNTCQN

ClinVar aggregate classification (germline): Benign. Review status: criteria provided, multiple submitters, no conflicts (2 of 4 stars). 6 submissions from 6 submitters: Benign (5). 1 of the submissions does not count toward it. Last evaluated 2026-02-04.

Conditions:
Orofacial-digital syndrome IV (OFD4). Also called: Orofaciodigital syndrome IV; MOHR-MAJEWSKI SYNDROME; OFD SYNDROME WITH TIBIAL DEFECTS; OFD SYNDROME, BARAITSER-BURN TYPE; OFDS IV; ORAL-FACIAL-DIGITAL SYNDROME, TYPE IV. Identifiers: Orphanet 2753, MedGen C0406727, MONDO:0009794, OMIM 258860.
Joubert syndrome 18 (JBTS18). Identifiers: Orphanet 2754, MedGen C3553758, MONDO:0013896, OMIM 614815.

Allele frequency attached by ClinVar (database versions not stated): gnomAD 0.01420 and 0.01485; TOPMed 0.01542; ESP Exome Variant Server 0.01730; gnomAD exomes 0.01740 and 0.01896; ExAC 0.01783; 1000 Genomes Project 30x 0.01968; 1000 Genomes Project 0.02037.

Submissions (6):

Labcorp Genetics (formerly Invitae), Labcorp
Classification: Benign for Joubert syndrome 18; Orofacial-digital syndrome IV. Last evaluated: 2026-02-04. Review status: criteria provided, single submitter. Criteria: Invitae Variant Classification Sherloc (09022015). Collection method: clinical testing. Allele origin: germline.

Mayo Clinic Laboratories, Mayo Clinic
Classification: Benign. Last evaluated: 2023-01-18. Review status: criteria provided, single submitter. Criteria: ACMG Guidelines, 2015. Collection method: clinical testing. Allele origin: germline. Observed: 3 variant alleles.
Comment: BS1, BS2, BP4

GeneDx
Classification: Benign. Last evaluated: 2016-06-20. Review status: criteria provided, single submitter. Criteria: GeneDx Variant Classification (06012015). Collection method: clinical testing. Allele origin: germline. Affected: yes.
Comment: This variant is considered likely benign or benign based on one or more of the following criteria: it is a conservative change, it occurs at a poorly conserved position in the protein, it is predicted to be benign by multiple in silico algorithms, and/or has population frequency not consistent with disease.

Breakthrough Genomics
Classification: Benign. Review status: criteria provided, single submitter. Criteria: ACMG Guidelines, 2015. Collection method: not provided. Allele origin: germline. Inheritance: Autosomal recessive inheritance. Affected: yes.

PreventionGenetics, part of Exact Sciences
Classification: Benign. Review status: criteria provided, single submitter. Criteria: ACMG Guidelines, 2015. Collection method: clinical testing. Allele origin: germline.

Genetic Services Laboratory, University of Chicago
Classification: Likely benign for AllHighlyPenetrant. Review status: no assertion criteria provided. Collection method: clinical testing. Allele origin: germline. Inheritance: Autosomal recessive inheritance. Not counted in ClinVar's aggregate classification.
Comment: Likely benign based on allele frequency in 1000 Genomes Project or ESP global frequency and its presence in a patient with a rare or unrelated disease phenotype. NOT Sanger confirmed.